The following is an entry in ClinVar:

NM_133261.3(GIPC3):c.496G>C (p.Val166Leu)

Gene: GIPC3 (GIPC PDZ domain containing family member 3; plus strand). Cytogenetic location: 19p13.3.
Variant type: single nucleotide variant.
Coding change: c.496G>C on transcript NM_133261.3 (MANE Select); coding-DNA position 496, G replaced by C.
Protein change: p.Val166Leu; replaces valine 166 with leucine.
Molecular consequence: missense variant.
Genome position (GRCh38, 1-based): chr19:3,586,898, G>C. VCF-style: chr19-3586898-G-C. GRCh37 (hg19) VCF-style: chr19-3586896-G-C.
Other names: c.496G>C, p.Val166Leu (NM_001411144.1); short protein forms V166L.
Identifiers: ClinVar variation 4686265 (VCV004686265.1).

ClinVar aggregate classification (germline): Uncertain significance (1 of 4 stars; one submission).

gnomAD v4.1: 2 of 1,613,012 alleles (0.00012%); highest among the groups gnomAD compares: Non-Finnish European, 0.00017%; no homozygotes.

Submission:

GeneDx
Classification: Uncertain significance. Last evaluated: 2025-07-12. Review status: criteria provided, single submitter. Criteria: GeneDx Variant Classification Process June 2021. Collection method: clinical testing. Allele origin: germline. Affected: yes.
Comment: Not observed at significant frequency in large population cohorts (gnomAD); In silico analysis suggests that this missense variant does not alter protein structure/function; Has not been previously published as pathogenic or benign to our knowledge